The following is an entry in ClinVar:

NM_002693.3(POLG):c.2485C>A (p.Pro829Thr)

Gene: POLG (DNA polymerase gamma, catalytic subunit; minus strand). Cytogenetic location: 15q26.1.
Variant type: single nucleotide variant.
Coding change: c.2485C>A on transcript NM_002693.3 (MANE Select); coding-DNA position 2485, C replaced by A.
Protein change: p.Pro829Thr; replaces proline 829 with threonine.
Molecular consequence: missense variant.
Genome position (GRCh38, 1-based): chr15:89,321,849, G>T on the plus strand (C>A on the coding strand, the complement: POLG is on the minus strand). VCF-style: chr15-89321849-G-T. GRCh37 (hg19) VCF-style: chr15-89865080-G-T.
Other names: c.2485C>A, p.Pro829Thr (NM_001126131.2); short protein forms P829T.
Identifiers: ClinVar variation 3693584 (VCV003693584.2).

ClinVar aggregate classification (germline): Uncertain significance (1 of 4 stars; one submission).

Conditions:
Progressive sclerosing poliodystrophy (MTDPS4A). Also called: ALPERS PROGRESSIVE INFANTILE POLIODYSTROPHY; NEURONAL DEGENERATION OF CHILDHOOD WITH LIVER DISEASE, PROGRESSIVE; Alpers Syndrome; ALPERS DIFFUSE DEGENERATION OF CEREBRAL GRAY MATTER WITH HEPATIC CIRRHOSIS; Alpers-Huttenlocher Syndrome; Mitochondrial DNA depletion syndrome 4A (Alpers type). Identifiers: Orphanet 726, MedGen C0205710, MONDO:0008758, OMIM 203700.

Submission:

Labcorp Genetics (formerly Invitae), Labcorp
Classification: Uncertain significance for Progressive sclerosing poliodystrophy. Last evaluated: 2024-09-24. Review status: criteria provided, single submitter. Criteria: Invitae Variant Classification Sherloc (09022015). Collection method: clinical testing. Allele origin: germline.
Comment: This sequence change replaces proline, which is neutral and non-polar, with threonine, which is neutral and polar, at codon 829 of the POLG protein (p.Pro829Thr). This variant is not present in population databases (gnomAD no frequency). This variant has not been reported in the literature in individuals affected with POLG-related conditions. Invitae Evidence Modeling of protein sequence and biophysical properties (such as structural, functional, and spatial information, amino acid conservation, physicochemical variation, residue mobility, and thermodynamic stability) indicates that this missense variant is not expected to disrupt POLG protein function with a negative predictive value of 95%. In summary, the available evidence is currently insufficient to determine the role of this variant in disease. Therefore, it has been classified as a Variant of Uncertain Significance.